The following is an entry in ClinVar:

ClinVar aggregate classification (germline): Pathogenic (1 of 4 stars; one submission).

Submission:

ISCA site 17
Classification: Pathogenic. Last evaluated: 2011-08-12. Review status: criteria provided, single submitter. Criteria: Kaminsky et al. (Genet Med. 2011). Collection method: clinical testing. Allele origin: maternal. Affected: yes. Observed: 1 variant allele.
Comment: Copy number variation identified through the course of routine clinical cytogenomic testing in postnatal populations. Clinical assertions have been curated as described in Kaminsky et al. 2011.

GRCh38/hg38 18q22.1-23(chr18:63988650-80252149)x1

Genes: ADNP2 (ADNP homeobox 2; plus strand), ATP9B (ATPase phospholipid transporting 9B; plus strand), C18orf63 (chromosome 18 open reading frame 63; plus strand), CBLN2 (cerebellin 2 precursor; minus strand), CCDC102B (coiled-coil domain containing 102B; plus strand) and 307 more. Cytogenetic location: 18q22.1-23.
Variant type: copy number loss.
Change: copy number 1 (one copy instead of two) of chr18:63,988,650-80,252,149 (16.26 Mb, GRCh38 coordinates, 1-based), cytogenetic band 18q22.1-23.
Identifiers: ClinVar variation 60004 (VCV000060004.1).